The following is an entry in ClinVar:

ClinVar aggregate classification (germline): Likely benign (0 of 4 stars; one submission).

Conditions:
MUC5B-related disorder. Also called: MUC5B-related condition.

Submission:

PreventionGenetics, part of Exact Sciences
Classification: Likely benign for MUC5B-related condition. Last evaluated: 2024-08-31. Review status: no assertion criteria provided. Collection method: clinical testing. Allele origin: germline.
Comment: This variant is classified as likely benign based on ACMG/AMP sequence variant interpretation guidelines (Richards et al. 2015 PMID: 25741868, with internal and published modifications).

NM_002458.3(MUC5B):c.3552G>A (p.Gly1184=)

Gene: MUC5B (mucin 5B, oligomeric mucus/gel-forming; plus strand). Cytogenetic location: 11p15.5.
Variant type: single nucleotide variant.
Coding change: c.3552G>A on transcript NM_002458.3 (MANE Select); coding-DNA position 3552, G replaced by A.
Protein change: p.Gly1184=; no amino-acid change (glycine 1184 retained).
Molecular consequence: synonymous variant.
Genome position (GRCh38, 1-based): chr11:1,239,535, G>A. VCF-style: chr11-1239535-G-A. GRCh37 (hg19) VCF-style: chr11-1260765-G-A.
Identifiers: ClinVar variation 3352975 (VCV003352975.1).
Genomic context (GRCh38, chr11:1,239,535, plus strand): 5'-TGAGTGGCACTACCAGCCCTGCGGGGCACCCTGCCTAAAAACCTGCCGGAACCCCAGTGG[G>A]CACTGCCTGGTGGACCTGCCTGGCCTGGAAGGTGAGGGGCAGCCTTTCTTGGATGGAGCC-3'
Protein context (NP_002449.2, residues 1174-1194): PCLKTCRNPS[Gly1184=]HCLVDLPGLE